The following is an entry in ClinVar:

NM_015122.3(FCHO1):c.2048C>G (p.Thr683Arg)

Gene: FCHO1 (FCH and mu domain containing endocytic adaptor 1; plus strand). Cytogenetic location: 19p13.11.
Variant type: single nucleotide variant.
Coding change: c.2048C>G on transcript NM_015122.3 (MANE Select); coding-DNA position 2048, C replaced by G.
Protein change: p.Thr683Arg; replaces threonine 683 with arginine.
Molecular consequence: missense variant. On other transcripts: non-coding transcript variant (36).
Genome position (GRCh38, 1-based): chr19:17,783,127, C>G. VCF-style: chr19-17783127-C-G. GRCh37 (hg19) VCF-style: chr19-17893936-C-G.
Other names: c.2048C>G, p.Thr683Arg (NM_001161357.2, NM_001161358.2, NM_001384370.1 and 13 more transcripts); c.1898C>G, p.Thr633Arg (NM_001161359.2, NM_001384384.1, NM_001384385.1 and 1 more transcripts); c.2009C>G, p.Thr670Arg (NM_001384388.1, NM_001384389.1, NM_001384405.1); c.1973C>G, p.Thr658Arg (NM_001384390.1); c.1931C>G, p.Thr644Arg (NM_001384392.1, NM_001384393.1, NM_001384394.1 and 1 more transcripts); c.1772C>G, p.Thr591Arg (NM_001384396.1, NM_001384397.1, NM_001384398.1 and 5 more transcripts); c.1727C>G, p.Thr576Arg (NM_001384403.1); c.1622C>G, p.Thr541Arg (NM_001384406.1); and 2 more; short protein forms T541R, T644R, T670R, T658R, T493R, T576R, T591R, T633R.
Identifiers: ClinVar variation 2177094 (VCV002177094.3), dbSNP rs374557190, ClinGen allele CA9300726.

ClinVar aggregate classification (germline): Uncertain significance. Review status: criteria provided, multiple submitters, no conflicts (2 of 4 stars). 2 submissions from 2 submitters: Uncertain significance (2). Last evaluated 2026-01-20.

Allele frequency attached by ClinVar (database versions not stated): ExAC 0.00002; gnomAD exomes 0.00004; TOPMed 0.00004; gnomAD 0.00005; ESP Exome Variant Server 0.00008.
gnomAD v4.1: 70 of 1,614,088 alleles (0.0043%); highest among the groups gnomAD compares: Non-Finnish European, 0.0057%; no homozygotes.

Submissions (2):

Labcorp Genetics (formerly Invitae), Labcorp
Classification: Uncertain significance. Last evaluated: 2026-01-20. Review status: criteria provided, single submitter. Criteria: Invitae Variant Classification Sherloc (09022015). Collection method: clinical testing. Allele origin: germline.
Comment: This sequence change replaces threonine, which is neutral and polar, with arginine, which is basic and polar, at codon 683 of the FCHO1 protein (p.Thr683Arg). This variant is present in population databases (rs374557190, gnomAD 0.006%). This variant has not been reported in the literature in individuals affected with FCHO1-related conditions. ClinVar contains an entry for this variant (Variation ID: 2177094). An algorithm developed to predict the effect of missense changes on protein structure and function (PolyPhen-2) suggests that this variant is likely to be tolerated. In summary, the available evidence is currently insufficient to determine the role of this variant in disease. Therefore, it has been classified as a Variant of Uncertain Significance.

Ambry Genetics
Classification: Uncertain significance. Last evaluated: 2025-08-13. Review status: criteria provided, single submitter. Criteria: Ambry Variant Classification Scheme 2023. Collection method: clinical testing. Allele origin: germline.